The following is an entry in ClinVar:

ClinVar aggregate classification (germline): Benign. Review status: criteria provided, multiple submitters, no conflicts (2 of 4 stars). 7 submissions from 6 submitters: Benign (7). Last evaluated 2026-02-04.

Conditions:
EEM syndrome (EEMS). Identifiers: Orphanet 1897, MedGen C1857041, MONDO:0009155, OMIM 225280.
Congenital hypotrichosis with juvenile macular dystrophy (HJMD). Also called: HYPOTRICHOSIS WITH CONE-ROD DYSTROPHY. Identifiers: Orphanet 1573, MedGen C1832162, MONDO:0011107, OMIM 601553.

Allele frequency attached by ClinVar (database versions not stated): 1000 Genomes Project 30x 0.57261; gnomAD exomes 0.57292; 1000 Genomes Project 0.57448; ExAC 0.57856; TOPMed 0.60221; gnomAD 0.60625 and 0.61024; ESP Exome Variant Server 0.62542.
gnomAD v4.1: 971,048 of 1,613,532 alleles (60%); highest among the groups gnomAD compares: African/African-American, 64%; 293,755 homozygotes.

Submissions (7):

Labcorp Genetics (formerly Invitae), Labcorp
Classification: Benign. Last evaluated: 2026-02-04. Review status: criteria provided, single submitter. Criteria: Invitae Variant Classification Sherloc (09022015). Collection method: clinical testing. Allele origin: germline.

Blueprint Genetics
Classification: Benign. Last evaluated: 2024-11-28. Review status: criteria provided, single submitter. Criteria: ACMG Guidelines, 2015. Collection method: clinical testing. Allele origin: germline.

Genome-Nilou Lab
Classification: Benign for EEM syndrome. Last evaluated: 2021-07-14. Review status: criteria provided, single submitter. Criteria: ACMG Guidelines, 2015. Collection method: clinical testing. Allele origin: germline. Affected: no.

Genome-Nilou Lab
Classification: Benign for Congenital hypotrichosis with juvenile macular dystrophy. Last evaluated: 2021-07-14. Review status: criteria provided, single submitter. Criteria: ACMG Guidelines, 2015. Collection method: clinical testing. Allele origin: germline. Affected: no.

GeneDx
Classification: Benign. Last evaluated: 2018-04-26. Review status: criteria provided, single submitter. Criteria: GeneDx Variant Classification (06012015). Collection method: clinical testing. Allele origin: germline. Affected: yes.
Comment: This variant is considered likely benign or benign based on one or more of the following criteria: it is a conservative change, it occurs at a poorly conserved position in the protein, it is predicted to be benign by multiple in silico algorithms, and/or has population frequency not consistent with disease.

Illumina Laboratory Services, Illumina
Classification: Benign for EEM syndrome. Last evaluated: 2018-01-13. Review status: criteria provided, single submitter. Criteria: ICSL Variant Classification Criteria 13 December 2019. Collection method: clinical testing. Allele origin: germline.
Comment: This variant was observed in the ICSL laboratory as part of a predisposition screen in an ostensibly healthy population. It had not been previously curated by ICSL or reported in the Human Gene Mutation Database (HGMD: prior to June 1st, 2018), and was therefore a candidate for classification through an automated scoring system. Utilizing variant allele frequency, disease prevalence and penetrance estimates, and inheritance mode, an automated score was calculated to assess if this variant is too frequent to cause the disease. Based on the score and internal cut-off values, a variant classified as benign is not then subjected to further curation. The score for this variant resulted in a classification of benign for this disease.

Breakthrough Genomics
Classification: Benign. Review status: criteria provided, single submitter. Criteria: ACMG Guidelines, 2015. Collection method: not provided. Allele origin: germline. Inheritance: Autosomal recessive inheritance. Affected: yes.

NM_001793.6(CDH3):c.1956G>A (p.Lys652=)

Gene: CDH3 (cadherin 3; plus strand). Cytogenetic location: 16q22.1.
Variant type: single nucleotide variant.
Coding change: c.1956G>A on transcript NM_001793.6 (MANE Select); coding-DNA position 1956, G replaced by A.
Protein change: p.Lys652=; no amino-acid change (lysine 652 retained).
Molecular consequence: synonymous variant.
Genome position (GRCh38, 1-based): chr16:68,691,880, G>A. VCF-style: chr16-68691880-G-A. GRCh37 (hg19) VCF-style: chr16-68725783-G-A.
Other names: c.1956G>A, p.Lys652= (NM_001317195.3); c.1791G>A, p.Lys597= (NM_001317196.2).
Identifiers: ClinVar variation 320250 (VCV000320250.19), dbSNP rs2274239, ClinGen allele CA8129518.